The following is an entry in ClinVar:

NM_006514.4(SCN10A):c.1409C>A (p.Ser470Tyr)

Gene: SCN10A (sodium voltage-gated channel alpha subunit 10; minus strand). Cytogenetic location: 3p22.2.
Variant type: single nucleotide variant.
Coding change: c.1409C>A on transcript NM_006514.4 (MANE Select); coding-DNA position 1409, C replaced by A.
Protein change: p.Ser470Tyr; replaces serine 470 with tyrosine.
Molecular consequence: missense variant.
Genome position (GRCh38, 1-based): chr3:38,755,840, G>T on the plus strand (C>A on the coding strand, the complement: SCN10A is on the minus strand). VCF-style: chr3-38755840-G-T. GRCh37 (hg19) VCF-style: chr3-38797331-G-T.
Other names: c.1409C>A, p.Ser470Tyr (NM_001293306.2, NM_001293307.2); short protein forms S470Y.
Identifiers: ClinVar variation 700351 (VCV000700351.12), dbSNP rs527577666, ClinGen allele CA2320877.

ClinVar aggregate classification (germline): Likely benign. Review status: criteria provided, multiple submitters, no conflicts (2 of 4 stars). 4 submissions from 4 submitters: Likely benign (3). 1 of the submissions does not count toward it. Last evaluated 2025-11-12.

Conditions:
Cardiovascular phenotype. Identifiers: MedGen CN230736.
SCN10A-related disorder. Also called: SCN10A-related condition.
Brugada syndrome. Also called: Sudden unexpected nocturnal death syndrome; Sudden Unexplained Death Syndrome; Sudden Unexplained Nocturnal Death Syndrome (SUNDS); Sudden unexplained nocturnal death syndrome. Identifiers: Orphanet 130, MedGen C1142166, MONDO:0015263.

Allele frequency attached by ClinVar (database versions not stated): gnomAD 0.00001 and 0.00013; TOPMed 0.00004; gnomAD exomes 0.00023 and 0.00052; 1000 Genomes Project 0.00040; 1000 Genomes Project 30x 0.00047; ExAC 0.00063.
gnomAD v4.1: 362 of 1,614,114 alleles (0.022%); highest among the groups gnomAD compares: South Asian, 0.37%; 5 homozygotes.

Submissions (4):

Labcorp Genetics (formerly Invitae), Labcorp
Classification: Likely benign for Brugada syndrome. Last evaluated: 2025-11-12. Review status: criteria provided, single submitter. Criteria: Invitae Variant Classification Sherloc (09022015). Collection method: clinical testing. Allele origin: germline.

Blueprint Genetics
Classification: Likely benign. Last evaluated: 2024-04-24. Review status: criteria provided, single submitter. Criteria: ACMG Guidelines, 2015. Collection method: clinical testing. Allele origin: germline.

Ambry Genetics
Classification: Likely benign for Cardiovascular phenotype. Last evaluated: 2020-11-18. Review status: criteria provided, single submitter. Criteria: Ambry Variant Classification Scheme 2023. Collection method: clinical testing. Allele origin: germline.

PreventionGenetics, part of Exact Sciences
Classification: Likely benign for SCN10A-related condition. Last evaluated: 2019-06-05. Review status: no assertion criteria provided. Collection method: clinical testing. Allele origin: germline. Not counted in ClinVar's aggregate classification.
Comment: This variant is classified as likely benign based on ACMG/AMP sequence variant interpretation guidelines (Richards et al. 2015 PMID: 25741868, with internal and published modifications).